The following is an entry in ClinVar:

ClinVar aggregate classification (germline): Benign (1 of 4 stars; one submission).

Allele frequency attached by ClinVar (database versions not stated): gnomAD 0.00023; TOPMed 0.00033; gnomAD exomes 0.00041.

Submission:

CeGaT Center for Human Genetics Tuebingen
Classification: Benign. Last evaluated: 2026-06-01. Review status: criteria provided, single submitter. Criteria: CeGaT Center For Human Genetics Tuebingen Variant Classification Criteria Version 2. Collection method: clinical testing. Allele origin: germline. Affected: yes. Observed: 2 variant alleles.
Comment: KCNQ1OT1: BS1, BS2

NM_000218.3(KCNQ1):c.1394-534dup

Genes: KCNQ1 (potassium voltage-gated channel subfamily Q member 1; plus strand), KCNQ1OT1 (KCNQ1 opposite strand/antisense transcript 1; minus strand). Cytogenetic location: 11p15.5.
Variant type: Duplication.
Coding change: c.1394-534dup on transcript NM_000218.3 (MANE Select); 534 bases into the intron before coding-DNA position 1394, one base duplicated (C; older notation c.1394-534dupC).
Molecular consequence: intron variant. On other transcripts: non-coding transcript variant (1).
Genome position (GRCh38, 1-based): chr11:2,661,427, C duplicated. VCF-style (leftmost placement, unchanged base first): chr11-2661426-A-AC. GRCh37 (hg19) VCF-style: chr11-2682656-A-AC.
Other names: c.1124-534dup (NM_001406837.1); c.1298-534dup (NM_001406836.1); c.854-534dup (NM_001406838.1); c.1013-534dup (NM_181798.2).
Identifiers: ClinVar variation 2672448 (VCV002672448.23), dbSNP rs373619287, ClinGen allele CA216170183.